The following is an entry in ClinVar:

NM_138775.3(ALKBH8):c.804T>C (p.Ile268=)

Gene: ALKBH8 (alkB homolog 8, tRNA methyltransferase; minus strand). Cytogenetic location: 11q22.3.
Variant type: single nucleotide variant.
Coding change: c.804T>C on transcript NM_138775.3 (MANE Select); coding-DNA position 804, T replaced by C.
Protein change: p.Ile268=; no amino-acid change (isoleucine 268 retained).
Molecular consequence: synonymous variant. On other transcripts: non-coding transcript variant (6).
Genome position (GRCh38, 1-based): chr11:107,532,374, A>G on the plus strand (T>C on the coding strand, the complement: ALKBH8 is on the minus strand). VCF-style: chr11-107532374-A-G. GRCh37 (hg19) VCF-style: chr11-107403100-A-G.
Other names: c.804T>C, p.Ile268= (NM_001301010.3, NM_001378133.1).
Identifiers: ClinVar variation 1675471 (VCV001675471.33), dbSNP rs370098051, ClinGen allele CA6261126.

ClinVar aggregate classification (germline): Likely benign. Review status: criteria provided, multiple submitters, no conflicts (2 of 4 stars). 2 submissions from 2 submitters: Likely benign (2). Last evaluated 2024-11-01.

Allele frequency attached by ClinVar (database versions not stated): ExAC 0.00001; gnomAD exomes 0.00001; TOPMed 0.00001; ESP Exome Variant Server 0.00008.
gnomAD v4.1: 41 of 1,613,736 alleles (0.0025%); highest among the groups gnomAD compares: Middle Eastern, 0.26%; no homozygotes.

Submissions (2):

CeGaT Center for Human Genetics Tuebingen
Classification: Likely benign. Last evaluated: 2024-11-01. Review status: criteria provided, single submitter. Criteria: CeGaT Center For Human Genetics Tuebingen Variant Classification Criteria Version 2. Collection method: clinical testing. Allele origin: germline. Affected: yes. Observed: 2 variant alleles.
Comment: ALKBH8: BP4, BP7

Breakthrough Genomics
Classification: Likely benign. Review status: criteria provided, single submitter. Criteria: ACMG Guidelines, 2015. Collection method: not provided. Allele origin: germline. Inheritance: Autosomal recessive inheritance. Affected: yes.